The following is an entry in ClinVar:

NM_000789.4(ACE):c.1292del (p.Pro431fs)

Gene: ACE (angiotensin I converting enzyme; plus strand). Cytogenetic location: 17q23.3.
Variant type: Deletion.
Coding change: c.1292del on transcript NM_000789.4 (MANE Select); coding-DNA position 1292, one base deleted (C; older notation c.1292delC).
Protein change: p.Pro431fs; shifts the reading frame from proline 431.
Molecular consequence: frameshift variant.
Genome position (GRCh38, 1-based): chr17:63,482,639, C deleted; the last of 2 consecutive C bases (chr17:63,482,638-63,482,639); deleting either gives the same sequence. VCF-style (leftmost placement, unchanged base first): chr17-63482637-TC-T. GRCh37 (hg19) VCF-style: chr17-61559998-TC-T.
Other names: c.440del, p.Pro147fs (NM_001382701.1); c.725del, p.Pro242fs (NM_001382700.1); short protein forms P147fs, P431fs, P242fs.
Identifiers: ClinVar variation 1456190 (VCV001456190.6), dbSNP rs2147533687, ClinGen allele CA2573154452.

ClinVar aggregate classification (germline): Pathogenic (1 of 4 stars; one submission).

Submission:

Labcorp Genetics (formerly Invitae), Labcorp
Classification: Pathogenic. Last evaluated: 2021-05-13. Review status: criteria provided, single submitter. Criteria: Invitae Variant Classification Sherloc (09022015). Collection method: clinical testing. Allele origin: germline.
Comment: For these reasons, this variant has been classified as Pathogenic. This variant has not been reported in the literature in individuals with ACE-related conditions. This variant is not present in population databases (ExAC no frequency). This sequence change creates a premature translational stop signal (p.Pro431Leufs*25) in the ACE gene. It is expected to result in an absent or disrupted protein product. Loss-of-function variants in ACE are known to be pathogenic (PMID: 22095942).

Literature cited by the submitters: PubMed 22095942.